The following is an entry in ClinVar:

ClinVar aggregate classification (germline): Uncertain significance (1 of 4 stars; one submission).

Conditions:
ALG9 congenital disorder of glycosylation (CDG1L). Also called: CONGENITAL DISORDER OF GLYCOSYLATION, TYPE Il; CDG Il; ALG9-CDG. Identifiers: Orphanet 79328, MedGen C2931006, MONDO:0012117, OMIM 608776.

Allele frequency attached by ClinVar (database versions not stated): gnomAD 0.00001; gnomAD exomes 0.00001; TOPMed 0.00001.
gnomAD v4.1: 8 of 1,612,674 alleles (0.0005%); highest among the groups gnomAD compares: Non-Finnish European, 0.00068%; no homozygotes.

Submission:

Labcorp Genetics (formerly Invitae), Labcorp
Classification: Uncertain significance for ALG9 congenital disorder of glycosylation. Last evaluated: 2022-03-26. Review status: criteria provided, single submitter. Criteria: Invitae Variant Classification Sherloc (09022015). Collection method: clinical testing. Allele origin: germline.
Comment: In summary, the available evidence is currently insufficient to determine the role of this variant in disease. Therefore, it has been classified as a Variant of Uncertain Significance. Algorithms developed to predict the effect of missense changes on protein structure and function are either unavailable or do not agree on the potential impact of this missense change (SIFT: "Deleterious"; PolyPhen-2: "Benign"; Align-GVGD: "Class C0"). This variant has not been reported in the literature in individuals affected with ATP6V0A2-related conditions. This variant is not present in population databases (gnomAD no frequency). This sequence change replaces phenylalanine, which is neutral and non-polar, with leucine, which is neutral and non-polar, at codon 837 of the ATP6V0A2 protein (p.Phe837Leu).

NM_012463.4(ATP6V0A2):c.2509T>C (p.Phe837Leu)

Gene: ATP6V0A2 (ATPase H+ transporting V0 subunit a2; plus strand). Cytogenetic location: 12q24.31.
Variant type: single nucleotide variant.
Coding change: c.2509T>C on transcript NM_012463.4 (MANE Select); coding-DNA position 2509, T replaced by C.
Protein change: p.Phe837Leu; replaces phenylalanine 837 with leucine.
Molecular consequence: missense variant.
Genome position (GRCh38, 1-based): chr12:123,757,970, T>C. VCF-style: chr12-123757970-T-C. GRCh37 (hg19) VCF-style: chr12-124242517-T-C.
Other names: short protein forms F837L.
Identifiers: ClinVar variation 2144275 (VCV002144275.4), dbSNP rs1956780598, ClinGen allele CA387158933.